The following is an entry in ClinVar:

NM_025114.4(CEP290):c.2974A>G (p.Asn992Asp)

Gene: CEP290 (centrosomal protein 290; minus strand). Cytogenetic location: 12q21.32.
Variant type: single nucleotide variant.
Coding change: c.2974A>G on transcript NM_025114.4 (MANE Select); coding-DNA position 2974, A replaced by G.
Protein change: p.Asn992Asp; replaces asparagine 992 with aspartic acid.
Molecular consequence: missense variant.
Genome position (GRCh38, 1-based): chr12:88,102,855, T>C on the plus strand (A>G on the coding strand, the complement: CEP290 is on the minus strand). VCF-style: chr12-88102855-T-C. GRCh37 (hg19) VCF-style: chr12-88496632-T-C.
Other names: c.2974A>G (NM_025114.3); short protein forms N992D.
Identifiers: ClinVar variation 1026166 (VCV001026166.11), dbSNP rs1265448566, ClinGen allele CA385969042.

ClinVar aggregate classification (germline): Uncertain significance. Review status: criteria provided, multiple submitters, no conflicts (2 of 4 stars). 5 submissions from 5 submitters: Uncertain significance (5). Last evaluated 2026-05-27.

Conditions:
Joubert syndrome. Also called: Familial aplasia of the vermis; JOUBERT-BOLTSHAUSER SYNDROME. Identifiers: Orphanet 475, MedGen C5979921, MONDO:0018772.
Nephronophthisis. Also called: Juvenile Nephronophthisis. Identifiers: Orphanet 655, MedGen C0687120, MONDO:0019005, HP:0000090.
Meckel-Gruber syndrome. Also called: DYSENCEPHALIA SPLANCHNOCYSTICA; GRUBER SYNDROME; Dysencephalia splachnocystica. Identifiers: Orphanet 564, MedGen C0265215, MONDO:0018921.
CEP290-related disorder. Also called: CEP290-related disorders; CEP290-related condition. Identifiers: MedGen CN239314.
Bardet-Biedl syndrome 14 (BBS14). Identifiers: Orphanet 110, MedGen C2673874, MONDO:0014442, OMIM 615991.
Meckel syndrome, type 4 (MKS4). Also called: MECKEL-GRUBER SYNDROME, TYPE 4. Identifiers: Orphanet 564, MedGen C1970161, MONDO:0012626, OMIM 611134.
Senior-Loken syndrome 6 (SLSN6). Identifiers: Orphanet 3156, MedGen C1857779, MONDO:0012433, OMIM 610189.
Leber congenital amaurosis 10 (LCA10). Identifiers: Orphanet 65, MedGen C1857821, MONDO:0012723, OMIM 611755.
Joubert syndrome 5 (JBTS5). Identifiers: Orphanet 2318, MedGen C1857780, MONDO:0012432, OMIM 610188.
Inborn genetic diseases. Identifiers: MedGen C0950123, MeSH D030342.

Allele frequency attached by ClinVar (database versions not stated): gnomAD exomes 0.00001; TOPMed 0.00001.
gnomAD v4.1: 6 of 1,610,094 alleles (0.00037%); highest among the groups gnomAD compares: Admixed American, 0.01%; no homozygotes.

Submissions (5):

Ambry Genetics
Classification: Uncertain significance for Inborn genetic diseases. Last evaluated: 2026-05-27. Review status: criteria provided, single submitter. Criteria: Ambry Variant Classification Scheme 2023. Collection method: clinical testing. Allele origin: germline.
Comment: The c.2974A>G (p.N992D) alteration is located in exon 26 (coding exon 25) of the CEP290 gene. This alteration results from a A to G substitution at nucleotide position 2974, causing the asparagine (N) at amino acid position 992 to be replaced by an aspartic acid (D). Based on data from gnomAD, the G allele has an overall frequency of 0.001% (3/245378) total alleles studied. The highest observed frequency was 0.009% (3/33470) of Latino alleles. Based on insufficient or conflicting evidence, the clinical significance of this alteration remains unclear.

PreventionGenetics, part of Exact Sciences
Classification: Uncertain significance for CEP290-related condition. Last evaluated: 2025-05-08. Review status: criteria provided, single submitter. Criteria: ACMG Guidelines, 2015. Collection method: clinical testing. Allele origin: germline.
Comment: The CEP290 c.2974A>G variant is predicted to result in the amino acid substitution p.Asn992Asp. To our knowledge, this variant has not been reported in the literature. This variant is reported in 0.0090% of alleles in individuals of Latino descent in gnomAD. At this time, the clinical significance of this variant is uncertain due to the absence of conclusive functional and genetic evidence.

Labcorp Genetics (formerly Invitae), Labcorp
Classification: Uncertain significance for Joubert syndrome; Meckel-Gruber syndrome; Nephronophthisis. Last evaluated: 2024-10-24. Review status: criteria provided, single submitter. Criteria: Invitae Variant Classification Sherloc (09022015). Collection method: clinical testing. Allele origin: germline.
Comment: This sequence change replaces asparagine, which is neutral and polar, with aspartic acid, which is acidic and polar, at codon 992 of the CEP290 protein (p.Asn992Asp). This variant is present in population databases (no rsID available, gnomAD 0.009%). This variant has not been reported in the literature in individuals affected with CEP290-related conditions. ClinVar contains an entry for this variant (Variation ID: 1026166). Invitae Evidence Modeling of protein sequence and biophysical properties (such as structural, functional, and spatial information, amino acid conservation, physicochemical variation, residue mobility, and thermodynamic stability) indicates that this missense variant is not expected to disrupt CEP290 protein function with a negative predictive value of 80%. In summary, the available evidence is currently insufficient to determine the role of this variant in disease. Therefore, it has been classified as a Variant of Uncertain Significance.

GeneDx
Classification: Uncertain significance. Last evaluated: 2024-05-10. Review status: criteria provided, single submitter. Criteria: GeneDx Variant Classification Process June 2021. Collection method: clinical testing. Allele origin: germline. Affected: yes.
Comment: Not observed at significant frequency in large population cohorts (gnomAD); In silico analysis indicates that this missense variant does not alter protein structure/function; Has not been previously published as pathogenic or benign to our knowledge

Fulgent Genetics
Classification: Uncertain significance for Joubert syndrome 5; Senior-Loken syndrome 6; Meckel syndrome, type 4; Leber congenital amaurosis 10; Bardet-Biedl syndrome 14. Last evaluated: 2022-04-30. Review status: criteria provided, single submitter. Criteria: ACMG Guidelines, 2015. Collection method: clinical testing. Allele origin: unknown.